The following is an entry in ClinVar:

NM_000057.4(BLM):c.1208A>G (p.Gln403Arg)

Gene: BLM (BLM RecQ like helicase; plus strand). Cytogenetic location: 15q26.1.
Variant type: single nucleotide variant.
Coding change: c.1208A>G on transcript NM_000057.4 (MANE Select); coding-DNA position 1208, A replaced by G.
Protein change: p.Gln403Arg; replaces glutamine 403 with arginine.
Molecular consequence: missense variant.
Genome position (GRCh38, 1-based): chr15:90,760,267, A>G. VCF-style: chr15-90760267-A-G. GRCh37 (hg19) VCF-style: chr15-91303497-A-G.
Other names: c.1208A>G, p.Gln403Arg (NM_001287246.2, NM_001287247.2); c.83A>G, p.Gln28Arg (NM_001287248.2); short protein forms Q28R, Q403R.
Identifiers: ClinVar variation 1520159 (VCV001520159.11), dbSNP rs375342874, ClinGen allele CA7738483.
Genomic context (GRCh38, chr15:90,760,267, plus strand): 5'-TTGATACTATTCCTGATGATAAACTGAAACTTTTGGATTGTGGGAACGAACTGCTTCAGC[A>G]GCGGAACATAAGGTATCTTAATTTTCCCCCTTCTGGAATATATCTGATTATATTTCTACC-3'
Protein context (NP_000048.1, residues 393-413): LLDCGNELLQ[Gln403Arg]RNIRRKLLTE

ClinVar aggregate classification (germline): Uncertain significance. Review status: criteria provided, multiple submitters, no conflicts (2 of 4 stars). 2 submissions from 2 submitters: Uncertain significance (2). Last evaluated 2025-12-29.

Conditions:
Bloom syndrome (BLM). Also called: Bloom-Torre-Machacek syndrome. Identifiers: Orphanet 125, MedGen C0005859, MONDO:0008876, OMIM 210900.
Hereditary cancer-predisposing syndrome. Also called: Neoplastic Syndromes, Hereditary; Tumor predisposition; Hereditary Cancer Syndrome; Hereditary neoplastic syndrome. Identifiers: Orphanet 140162, MedGen C0027672, MeSH D009386, MONDO:0015356.

Allele frequency attached by ClinVar (database versions not stated): gnomAD exomes below 0.00001; ExAC 0.00001; TOPMed 0.00001; gnomAD 0.00002; ESP Exome Variant Server 0.00008.
gnomAD v4.1: 4 of 1,614,032 alleles (0.00025%); highest among the groups gnomAD compares: African/African-American, 0.004%; no homozygotes.

Submissions (2):

Ambry Genetics
Classification: Uncertain significance for Hereditary cancer-predisposing syndrome. Last evaluated: 2025-12-29. Review status: criteria provided, single submitter. Criteria: Ambry Variant Classification Scheme 2023. Collection method: clinical testing. Allele origin: germline.

Labcorp Genetics (formerly Invitae), Labcorp
Classification: Uncertain significance for Bloom syndrome. Last evaluated: 2025-03-30. Review status: criteria provided, single submitter. Criteria: Invitae Variant Classification Sherloc (09022015). Collection method: clinical testing. Allele origin: germline.
Comment: This sequence change replaces glutamine, which is neutral and polar, with arginine, which is basic and polar, at codon 403 of the BLM protein (p.Gln403Arg). This variant is present in population databases (rs375342874, gnomAD 0.007%). This variant has not been reported in the literature in individuals affected with BLM-related conditions. ClinVar contains an entry for this variant (Variation ID: 1520159). Invitae Evidence Modeling of protein sequence and biophysical properties (such as structural, functional, and spatial information, amino acid conservation, physicochemical variation, residue mobility, and thermodynamic stability) indicates that this missense variant is not expected to disrupt BLM protein function with a negative predictive value of 80%. In summary, the available evidence is currently insufficient to determine the role of this variant in disease. Therefore, it has been classified as a Variant of Uncertain Significance.